The following is an entry in ClinVar:

ClinVar aggregate classification (germline): Conflicting classifications of pathogenicity. Review status: criteria provided, conflicting classifications (1 of 4 stars). 4 submissions from 4 submitters: Pathogenic (1); Likely pathogenic (1); Uncertain significance (1). 1 of the submissions does not count toward it. Last evaluated 2024-12-04.
ClinVar aggregate classification (oncogenicity): Likely oncogenic (1 of 4 stars; one submission).

Conditions:
Gorlin syndrome. Also called: Nevoid Basal Cell Carcinoma Syndrome; Basal cell nevus syndrome. Identifiers: Orphanet 377, MedGen C0004779, MONDO:0007187.
PTCH1-related disorder. Also called: PTCH1-related disorders; PTCH1-related condition.
Neoplasm. Also called: tumor; Neoplasms; Neoplasm (disease). Identifiers: MedGen C0027651, MeSH D009369, MONDO:0005070, HP:0002664.

Submissions (5):

Center for Genomic Medicine, Rigshospitalet, Copenhagen University Hospital
Classification: Likely oncogenic for Neoplasm. Last evaluated: 2025-03-04. Review status: criteria provided, single submitter. Criteria: ClinGen/CGC/VICC Guidelines for Oncogenicity, 2022. Collection method: clinical testing. Allele origin: somatic. Affected: yes.

GeneDx
Classification: Likely pathogenic. Last evaluated: 2024-12-04. Review status: criteria provided, single submitter. Criteria: GeneDx Variant Classification Process June 2021. Collection method: clinical testing. Allele origin: germline. Affected: yes.
Comment: Frameshift variant predicted to result in protein truncation or nonsense mediated decay in a gene for which loss of function is a known mechanism of disease; De novo variant with confirmed parentage and in published literature from a cohort of individuals with developmental disorders; however, detailed clinical information was not provided (PMID: 33057194); This variant is associated with the following publications: (PMID: 24755471, 25344691, 27453577, 33057194, 35982159)

Labcorp Genetics (formerly Invitae), Labcorp
Classification: Pathogenic for Gorlin syndrome. Last evaluated: 2024-06-07. Review status: criteria provided, single submitter. Criteria: Invitae Variant Classification Sherloc (09022015). Collection method: clinical testing. Allele origin: germline.
Comment: This sequence change creates a premature translational stop signal (p.Leu39Alafs*51) in the PTCH1 gene. It is expected to result in an absent or disrupted protein product. Loss-of-function variants in PTCH1 are known to be pathogenic (PMID: 16301862, 16419085). The frequency data for this variant in the population databases is considered unreliable, as metrics indicate poor data quality at this position in the gnomAD database. This variant has not been reported in the literature in individuals affected with PTCH1-related conditions. ClinVar contains an entry for this variant (Variation ID: 503940). For these reasons, this variant has been classified as Pathogenic.

CeGaT Center for Human Genetics Tuebingen
Classification: Uncertain significance. Last evaluated: 2022-11-01. Review status: criteria provided, single submitter. Criteria: CeGaT Center For Human Genetics Tuebingen Variant Classification Criteria Version 2. Collection method: clinical testing. Allele origin: germline. Affected: yes. Observed: 1 variant allele.
Comment: PTCH1: PVS1:Strong

PreventionGenetics, part of Exact Sciences
Classification: Likely pathogenic for PTCH1-related condition. Last evaluated: 2024-06-02. Review status: no assertion criteria provided. Collection method: clinical testing. Allele origin: germline. Not counted in ClinVar's aggregate classification.
Comment: The PTCH1 c.114dupG variant is predicted to result in a frameshift and premature protein termination (p.Leu39Alafs*51). To our knowledge, this variant has not been reported in the literature. This variant is reported in 0.011% of alleles in individuals of European (Finnish) descent in gnomAD; however, quality control filters indicate data is unreliable at this position. Frameshift variants in PTCH1 are expected to be pathogenic. This variant is interpreted as likely pathogenic.

Literature cited by the submitters: PubMed 24840883 (cited by Center for Genomic Medicine, Rigshospitalet, Copenhagen University Hospital); PubMed 16301862 (cited by Labcorp Genetics (formerly Invitae), Labcorp); PubMed 16419085 (cited by Labcorp Genetics (formerly Invitae), Labcorp).

NM_000264.5(PTCH1):c.114dup (p.Leu39fs)

Genes: PTCH1 (patched 1; minus strand), LOC130002133 (ATAC-STARR-seq lymphoblastoid silent region 20071; plus strand). Cytogenetic location: 9q22.32.
Variant type: Duplication.
Coding change: c.114dup on transcript NM_000264.5 (MANE Select); coding-DNA position 114, one base duplicated (G; older notation c.114dupG).
Protein change: p.Leu39fs; shifts the reading frame from leucine 39.
Molecular consequence: frameshift variant. On other transcripts: non-coding transcript variant (1), intron variant (3).
Genome position (GRCh38, 1-based): chr9:95,508,248, C duplicated on the plus strand (G on the coding strand, the reverse complement: PTCH1 is on the minus strand); the first of 7 consecutive C bases (chr9:95,508,248-95,508,254); duplicating any one gives the same sequence. VCF-style (leftmost placement, unchanged base first): chr9-95508247-G-GC. GRCh37 (hg19) VCF-style: chr9-98270529-G-GC.
Other names: c.114dup, p.Leu39fs (NM_001354918.2); c.199-1649dup (NM_001083603.3); c.4-1649dup (NM_001083602.3, NM_001354919.2); c.114dupG (NM_000264.3, NM_000264.5); short protein forms L39fs.
Identifiers: ClinVar variation 503940 (VCV000503940.34), dbSNP rs751977093, ClinGen allele CA5139045.